The following is an entry in ClinVar:

ClinVar aggregate classification (germline): Pathogenic (1 of 4 stars; one submission).

Submission:

Labcorp Genetics (formerly Invitae), Labcorp
Classification: Pathogenic. Last evaluated: 2022-07-02. Review status: criteria provided, single submitter. Criteria: Invitae Variant Classification Sherloc (09022015). Collection method: clinical testing. Allele origin: germline.
Comment: For these reasons, this variant has been classified as Pathogenic. This variant has not been reported in the literature in individuals affected with GRM6-related conditions. This variant is not present in population databases (gnomAD no frequency). This sequence change creates a premature translational stop signal (p.Val710Glyfs*3) in the GRM6 gene. It is expected to result in an absent or disrupted protein product. Loss-of-function variants in GRM6 are known to be pathogenic (PMID: 15781871, 16622103, 22008250).

Literature cited by the submitters: PubMed 15781871; PubMed 16622103; PubMed 22008250.

NM_000843.4(GRM6):c.2129del (p.Val710fs)

Genes: GRM6 (glutamate metabotropic receptor 6; minus strand), ZNF454 (zinc finger protein 454; plus strand). Cytogenetic location: 5q35.3.
Variant type: Deletion.
Coding change: c.2129del on transcript NM_000843.4 (MANE Select); coding-DNA position 2129, one base deleted (T; older notation c.2129delT).
Protein change: p.Val710fs; shifts the reading frame from valine 710.
Molecular consequence: frameshift variant.
Genome position (GRCh38, 1-based): chr5:178,983,217, A deleted on the plus strand (T on the coding strand, the reverse complement: GRM6 is on the minus strand). VCF-style (leftmost placement, unchanged base first): chr5-178983216-CA-C. GRCh37 (hg19) VCF-style: chr5-178410217-CA-C.
Other names: short protein forms V710fs.
Identifiers: ClinVar variation 2013348 (VCV002013348.4), dbSNP rs2480364184, ClinGen allele CA2580074099.
Genomic context (GRCh38, chr5:178,983,216, plus strand): 5'-CTGTTCCTCATAGTCAATCACGCTGTGTGGGGGCCGGGCCCCCAGCCATGCTATCATCCC[CA>C]CCACCTGCAGGAGCCAACACTGCATCAGACACAGCACTTTCCAGGGACAAATCCATTCCA-3'